The following is an entry in ClinVar:

ClinVar aggregate classification (germline): Uncertain significance (1 of 4 stars; one submission).

Conditions:
Charcot-Marie-Tooth disease type 4. Also called: Charcot-Marie-Tooth disease, type IV; Charcot-Marie-Tooth, Type 4. Identifiers: Orphanet 64749, MedGen C4082197, MONDO:0018995.

Submission:

Labcorp Genetics (formerly Invitae), Labcorp
Classification: Uncertain significance for Charcot-Marie-Tooth disease type 4. Last evaluated: 2020-10-10. Review status: criteria provided, single submitter. Criteria: Invitae Variant Classification Sherloc (09022015). Collection method: clinical testing. Allele origin: germline.
Comment: This variant, c.3142_3147del, results in the deletion of 2 amino acid(s) of the PRX protein (p.Lys1048_Gly1049del), but otherwise preserves the integrity of the reading frame. This variant is present in population databases (rs764547883, ExAC 0.002%). This variant has not been reported in the literature in individuals with PRX-related conditions. Experimental studies and prediction algorithms are not available or were not evaluated, and the functional significance of this variant is currently unknown. In summary, the available evidence is currently insufficient to determine the role of this variant in disease. Therefore, it has been classified as a Variant of Uncertain Significance.

NM_181882.3(PRX):c.3142_3147del (p.Lys1048_Gly1049del)

Gene: PRX (periaxin; minus strand). Cytogenetic location: 19q13.2.
Variant type: Deletion.
Coding change: c.3142_3147del on transcript NM_181882.3 (MANE Select); coding-DNA positions 3142 to 3147, 6 bases deleted (AAGGGC; older notation c.3142_3147delAAGGGC).
Protein change: p.Lys1048_Gly1049del.
Molecular consequence: inframe deletion. On other transcripts: 3 prime UTR variant (1).
Genome position (GRCh38, 1-based): chr19:40,395,205-40,395,210, GCCCTT deleted on the plus strand (AAGGGC on the coding strand, the reverse complement: PRX is on the minus strand); deleting any 6 consecutive bases within chr19:40,395,205-40,395,215 gives the same sequence; the c. name uses the placement nearest the transcript's 3' end. VCF-style (leftmost placement, unchanged base first): chr19-40395204-AGCCCTT-A. GRCh37 (hg19) VCF-style: chr19-40901111-AGCCCTT-A.
Other names: c.*3347_*3352del (NM_020956.2).
Identifiers: ClinVar variation 999093 (VCV000999093.8), dbSNP rs764547883, ClinGen allele CA9443912.